The following is an entry in ClinVar:

ClinVar aggregate classification (germline): Likely benign. Review status: criteria provided, multiple submitters, no conflicts (2 of 4 stars). 2 submissions from 2 submitters: Likely benign (2). Last evaluated 2025-10-11.

Conditions:
SLC35A2-congenital disorder of glycosylation. Also called: SLC35A2-CDG; DEVELOPMENTAL AND EPILEPTIC ENCEPHALOPATHY 22; CONGENITAL DISORDER OF GLYCOSYLATION, TYPE IIm; CDG IIm; CONGENITAL DISORDER OF GLYCOSYLATION, TYPE IIm, SOMATIC MOSAIC; EPILEPTIC ENCEPHALOPATHY, EARLY INFANTILE, 22. Identifiers: Orphanet 356961, MedGen C3806688, MONDO:0010478, OMIM 300896.

Allele frequency attached by ClinVar (database versions not stated): ExAC 0.00001; gnomAD exomes 0.00001; TOPMed 0.00003; gnomAD 0.00004.
gnomAD v4.1: 17 of 1,209,361 alleles (0.0014%); highest among the groups gnomAD compares: Non-Finnish European, 0.0018%; no homozygotes.

Submissions (2):

Labcorp Genetics (formerly Invitae), Labcorp
Classification: Likely benign for SLC35A2-congenital disorder of glycosylation. Last evaluated: 2025-10-11. Review status: criteria provided, single submitter. Criteria: Invitae Variant Classification Sherloc (09022015). Collection method: clinical testing. Allele origin: germline.

CeGaT Center for Human Genetics Tuebingen
Classification: Likely benign. Last evaluated: 2025-10-01. Review status: criteria provided, single submitter. Criteria: CeGaT Center For Human Genetics Tuebingen Variant Classification Criteria Version 2. Collection method: clinical testing. Allele origin: germline. Affected: yes. Observed: 1 variant allele.
Comment: SLC35A2: BP4, BS2

NM_005660.3(SLC35A2):c.801C>T (p.Tyr267=)

Gene: SLC35A2 (solute carrier family 35 member A2; minus strand). Cytogenetic location: Xp11.23.
Variant type: single nucleotide variant.
Coding change: c.801C>T on transcript NM_005660.3 (MANE Select); coding-DNA position 801, C replaced by T.
Protein change: p.Tyr267=; no amino-acid change (tyrosine 267 retained).
Molecular consequence: synonymous variant. On other transcripts: intron variant (3).
Genome position (GRCh38, 1-based): chrX:48,905,108, G>A on the plus strand (C>T on the coding strand, the complement: SLC35A2 is on the minus strand). VCF-style: chrX-48905108-G-A. GRCh37 (hg19) VCF-style: chrX-48762385-G-A.
Other names: c.885C>T, p.Tyr295= (NM_001282651.2); c.427-216C>T (NM_001282647.2, NM_001032289.3); c.355-216C>T (NM_001282648.2); c.801C>T, p.Tyr267= (NM_001042498.3); c.618C>T, p.Tyr206= (NM_001282649.2); c.840C>T, p.Tyr280= (NM_001282650.2).
Identifiers: ClinVar variation 1143951 (VCV001143951.15), dbSNP rs781910050, ClinGen allele CA10406096.
Genomic context (GRCh38, chrX:48,905,108, plus strand): 5'-CACAGCCACCAGTAGCCCGCCGAAGGCCTGGTTGAGCACCACGCCCCAGACAGCAGGTGT[G>A]TACCCAAAAAAGAAACCACGGGTGGCCACGGCGGTACCCTCAGCCCACCAGAGCCCCACC-3'
Protein context (NP_005651.1, residues 257-277): AVATRGFFFG[Tyr267=]TPAVWGVVLN